The following is an entry in ClinVar:

ClinVar aggregate classification (germline): Uncertain significance (1 of 4 stars; one submission).

Conditions:
Hereditary cancer-predisposing syndrome. Also called: Tumor predisposition; Hereditary neoplastic syndrome; Neoplastic Syndromes, Hereditary; Hereditary Cancer Syndrome. Identifiers: Orphanet 140162, MedGen C0027672, MeSH D009386, MONDO:0015356.

gnomAD v4.1: 1 of 1,613,558 alleles (0.000062%); no homozygotes.

Submission:

Ambry Genetics
Classification: Uncertain significance for Hereditary cancer-predisposing syndrome. Last evaluated: 2025-06-02. Review status: criteria provided, single submitter. Criteria: Ambry Variant Classification Scheme 2023. Collection method: clinical testing. Allele origin: germline.
Comment: The p.E512D variant (also known as c.1536G>C), located in coding exon 9 of the DICER1 gene, results from a G to C substitution at nucleotide position 1536. The glutamic acid at codon 512 is replaced by aspartic acid, an amino acid with highly similar properties. This amino acid position is conserved. In addition, the in silico prediction for this alteration is inconclusive. Based on the available evidence, the clinical significance of this variant remains unclear.

NM_177438.3(DICER1):c.1536G>C (p.Glu512Asp)

Gene: DICER1 (dicer 1, ribonuclease III; minus strand). Cytogenetic location: 14q32.13.
Variant type: single nucleotide variant.
Coding change: c.1536G>C on transcript NM_177438.3 (MANE Select); coding-DNA position 1536, G replaced by C.
Protein change: p.Glu512Asp; replaces glutamic acid 512 with aspartic acid.
Molecular consequence: missense variant. On other transcripts: intron variant (1), non-coding transcript variant (6).
Genome position (GRCh38, 1-based): chr14:95,116,669, C>G on the plus strand (G>C on the coding strand, the complement: DICER1 is on the minus strand). VCF-style: chr14-95116669-C-G. GRCh37 (hg19) VCF-style: chr14-95583006-C-G.
Other names: c.1536G>C, p.Glu512Asp (NM_001395677.1, NM_001395682.1, NM_001195573.1 and 12 more transcripts); c.1254G>C, p.Glu418Asp (NM_001395686.1); c.1131G>C, p.Glu377Asp (NM_001395687.1, NM_001395688.1, NM_001395689.1 and 3 more transcripts); c.969G>C, p.Glu323Asp (NM_001395691.1); c.-59-89G>C (NM_001395697.1); short protein forms E512D, E323D, E418D, E377D.
Identifiers: ClinVar variation 4011684 (VCV004011684.1).